The following is an entry in ClinVar:

NM_015330.6(SPECC1L):c.2430C>G (p.Tyr810Ter)

Genes: SPECC1L (sperm antigen with calponin homology and coiled-coil domains 1 like; plus strand), SPECC1L-ADORA2A (SPECC1L-ADORA2A readthrough (NMD candidate); plus strand). Cytogenetic location: 22q11.23.
Variant type: single nucleotide variant.
Coding change: c.2430C>G on transcript NM_015330.6 (MANE Select); coding-DNA position 2430, C replaced by G.
Protein change: p.Tyr810Ter; replaces tyrosine 810 with a stop codon.
Molecular consequence: nonsense. On other transcripts: non-coding transcript variant (1).
Genome position (GRCh38, 1-based): chr22:24,334,443, C>G. VCF-style: chr22-24334443-C-G. GRCh37 (hg19) VCF-style: chr22-24730411-C-G.
Other names: c.2430C>G, p.Tyr810Ter (NM_001145468.4, NM_001254732.3); short protein forms Y810*.
Identifiers: ClinVar variation 3373189 (VCV003373189.1).
Genomic context (GRCh38, chr22:24,334,443, plus strand): 5'-ATGCTCTGATTTCAATATTATTTTCAGGCAAGAGGAGGAGCGAGGCCGGGTATACAATTA[C>G]ATGAATGCCGTTGAGAGAGATTTGGCAGCCTTAAGGCAGGGAATGGGACTGAGTAGAAGG-3'

ClinVar aggregate classification (germline): Uncertain significance (1 of 4 stars; one submission).

Submission:

GeneDx
Classification: Uncertain significance. Last evaluated: 2024-05-02. Review status: criteria provided, single submitter. Criteria: GeneDx Variant Classification Process June 2021. Collection method: clinical testing. Allele origin: germline. Affected: yes.
Comment: Not observed at significant frequency in large population cohorts (gnomAD); Nonsense variant predicted to result in protein truncation or nonsense mediated decay in a gene or region of a gene for which loss of function is not a well-established mechanism of disease; Has not been previously published as pathogenic or benign to our knowledge